The following is an entry in ClinVar:

NM_001364564.1(SALL2):c.765CTC[7] (p.Ser263_Gly264insSerSer)

Gene: SALL2 (spalt like transcription factor 2; minus strand). Cytogenetic location: 14q11.2.
Variant type: Microsatellite.
Coding change: c.765CTC[7] on transcript NM_001364564.1 (MANE Select); seven copies in a row of the 3-base unit CTC starting at c.765; the reference has five copies in a row; two copies, 6 bases duplicated.
Protein change: p.Ser263_Gly264insSerSer.
Molecular consequence: inframe insertion. On other transcripts: intron variant (2).
Genome position (GRCh38, 1-based): chr14:21,524,943-21,524,948, GAGGAG duplicated on the plus strand (CTCCTC on the coding strand, the reverse complement: SALL2 is on the minus strand); duplicating any 6 consecutive bases within chr14:21,524,943-21,524,959 gives the same sequence; the position shown is the placement nearest the transcript's 3' end. VCF-style (leftmost placement, unchanged base first): chr14-21524942-A-AGAGGAG. GRCh37 (hg19) VCF-style: chr14-21993076-A-AGAGGAG.
Other names: c.771CTC[7], p.Ser265_Gly266insSerSer (NM_005407.3); c.392-26CTC[7] (NM_001291446.2); c.386-26CTC[7] (NM_001291447.2).
Identifiers: ClinVar variation 3628091 (VCV003628091.2).

ClinVar aggregate classification (germline): Uncertain significance (1 of 4 stars; one submission).

Submission:

Labcorp Genetics (formerly Invitae), Labcorp
Classification: Uncertain significance. Last evaluated: 2024-07-01. Review status: criteria provided, single submitter. Criteria: Invitae Variant Classification Sherloc (09022015). Collection method: clinical testing. Allele origin: germline.
Comment: This variant, c.780_785dup, results in the insertion of 2 amino acid(s) of the SALL2 protein (p.Ser264_Ser265dup), but otherwise preserves the integrity of the reading frame. This variant is present in population databases (rs745827860, gnomAD 0.003%). This variant has not been reported in the literature in individuals affected with SALL2-related conditions. In summary, the available evidence is currently insufficient to determine the role of this variant in disease. Therefore, it has been classified as a Variant of Uncertain Significance.